The following is an entry in ClinVar:

ClinVar aggregate classification (germline): Uncertain significance (1 of 4 stars; one submission).

Conditions:
Emery-Dreifuss muscular dystrophy 4, autosomal dominant (EDMD4). Also called: EMERY-DREIFUSS MUSCULAR DYSTROPHY 4 WITH VARIABLE FEATURES. Identifiers: Orphanet 261, MedGen C2751807, MONDO:0013071, OMIM 612998.
Autosomal recessive ataxia, Beauce type. Also called: Spinocerebellar ataxia, autosomal recessive 8; ATAXIA, RECESSIVE, OF BEAUCE; SYNE1 Deficiency; SYNE1-Related Autosomal Recessive Cerebellar Ataxia. Identifiers: Orphanet 88644, MedGen C1853116, MONDO:0012549, OMIM 610743.

Allele frequency attached by ClinVar (database versions not stated): gnomAD exomes below 0.00001 and 0.00001.
gnomAD v4.1: 7 of 1,613,876 alleles (0.00043%); highest among the groups gnomAD compares: South Asian, 0.0011%; no homozygotes.

Submission:

Labcorp Genetics (formerly Invitae), Labcorp
Classification: Uncertain significance for Emery-Dreifuss muscular dystrophy 4, autosomal dominant; Autosomal recessive ataxia, Beauce type. Last evaluated: 2025-02-17. Review status: criteria provided, single submitter. Criteria: Invitae Variant Classification Sherloc (09022015). Collection method: clinical testing. Allele origin: germline.
Comment: This sequence change replaces valine, which is neutral and non-polar, with isoleucine, which is neutral and non-polar, at codon 8256 of the SYNE1 protein (p.Val8256Ile). This variant is present in population databases (no rsID available, gnomAD 0.003%). This variant has not been reported in the literature in individuals affected with SYNE1-related conditions. ClinVar contains an entry for this variant (Variation ID: 1435414). An algorithm developed to predict the effect of missense changes on protein structure and function (PolyPhen-2) suggests that this variant is likely to be disruptive. In summary, the available evidence is currently insufficient to determine the role of this variant in disease. Therefore, it has been classified as a Variant of Uncertain Significance.

NM_001347702.2(SYNE1):c.1444G>A (p.Val482Ile)

Gene: SYNE1 (spectrin repeat containing nuclear envelope protein 1; minus strand). Cytogenetic location: 6q25.2.
Variant type: single nucleotide variant.
Coding change: c.1444G>A on transcript NM_001347702.2 (MANE Plus Clinical); coding-DNA position 1444, G replaced by A.
Protein change: p.Val482Ile; replaces valine 482 with isoleucine.
Molecular consequence: missense variant. On other transcripts: intron variant (2).
Genome position (GRCh38, 1-based): chr6:152,145,553, C>T on the plus strand (G>A on the coding strand, the complement: SYNE1 is on the minus strand). VCF-style: chr6-152145553-C-T. GRCh37 (hg19) VCF-style: chr6-152466688-C-T.
Other names: c.24766G>A, p.Val8256Ile (NM_033071.5); c.24977-1788G>A (NM_182961.4); c.1583-1788G>A (NM_001347701.2); short protein forms V8256I, V482I.
Identifiers: ClinVar variation 1435414 (VCV001435414.8), dbSNP rs1389837024, ClinGen allele CA366083947.
Genomic context (GRCh38, chr6:152,145,553, plus strand): 5'-TATTTTTGATTGCATTTTCTGTGAGTTTTACATAGGCCTCAGGGCTTTCGGGGATCATTA[C>T]ATCTGCAAAAAAAGCACAGTCTAAGTTGACAGCTAAGTTCTGGAAACCCTGAATCCCTTG-3'
Protein context (NP_001334631.1, residues 472-492): YLRGAVGLSD[Val482Ile]MIPESPEAYV